The following is an entry in ClinVar:

ClinVar aggregate classification (germline): Uncertain significance (1 of 4 stars; one submission).

Conditions:
Congenital contractural arachnodactyly (CCA). Also called: BEALS SYNDROME; Arthrogryposis, distal, type 9; Beals-Hecht syndrome. Identifiers: Orphanet 115, MedGen C0220668, MONDO:0007363, OMIM 121050.

Submission:

Labcorp Genetics (formerly Invitae), Labcorp
Classification: Uncertain significance for Congenital contractural arachnodactyly. Last evaluated: 2019-12-02. Review status: criteria provided, single submitter. Criteria: Invitae Variant Classification Sherloc (09022015). Collection method: clinical testing. Allele origin: germline.
Comment: This variant is not present in population databases (ExAC no frequency). This sequence change replaces leucine with proline at codon 986 of the FBN2 protein (p.Leu986Pro). The leucine residue is moderately conserved and there is a moderate physicochemical difference between leucine and proline. In summary, the available evidence is currently insufficient to determine the role of this variant in disease. Therefore, it has been classified as a Variant of Uncertain Significance. Algorithms developed to predict the effect of missense changes on protein structure and function are either unavailable or do not agree on the potential impact of this missense change (SIFT: "Deleterious"; PolyPhen-2: "Probably Damaging"; Align-GVGD: "Class C0"). This variant has not been reported in the literature in individuals with FBN2-related conditions.

NM_001999.4(FBN2):c.2957T>C (p.Leu986Pro)

Gene: FBN2 (fibrillin 2; minus strand). Cytogenetic location: 5q23.3.
Variant type: single nucleotide variant.
Coding change: c.2957T>C on transcript NM_001999.4 (MANE Select); coding-DNA position 2957, T replaced by C.
Protein change: p.Leu986Pro; replaces leucine 986 with proline.
Molecular consequence: missense variant.
Genome position (GRCh38, 1-based): chr5:128,349,379, A>G on the plus strand (T>C on the coding strand, the complement: FBN2 is on the minus strand). VCF-style: chr5-128349379-A-G. GRCh37 (hg19) VCF-style: chr5-127685071-A-G.
Other names: short protein forms L986P.
Identifiers: ClinVar variation 840912 (VCV000840912.10), dbSNP rs1751282501, ClinGen allele CA360765220.
Genomic context (GRCh38, chr5:128,349,379, plus strand): 5'-ATAGAATACATGAGGGTGTGAATCTTACCCAAACATACACGGCCAGTCCCATCCAACGTA[A>G]GGCCTTCAGGGCACTCGCAATGAAAAGATCCCTTACTGTTGACACAGCGTCCATTTGGAC-3'
Protein context (NP_001990.2, residues 976-996): GSFHCECPEG[Leu986Pro]TLDGTGRVCL